The following is an entry in ClinVar:

ClinVar aggregate classification (germline): Pathogenic (1 of 4 stars; one submission).

Conditions:
PGM1-congenital disorder of glycosylation. Also called: Congenital disorder of glycosylation type 1t; PHOSPHOGLUCOMUTASE 1 DEFICIENCY; PGM1 DEFICIENCY; GLYCOGEN STORAGE DISEASE XIV; GSD XIV; CDG It. Identifiers: Orphanet 319646, MedGen C2752015, MONDO:0013968, OMIM 614921.

Submission:

Labcorp Genetics (formerly Invitae), Labcorp
Classification: Pathogenic for PGM1-congenital disorder of glycosylation. Last evaluated: 2024-01-02. Review status: criteria provided, single submitter. Criteria: Invitae Variant Classification Sherloc (09022015). Collection method: clinical testing. Allele origin: unknown.
Comment: This variant is a gross deletion of the genomic region encompassing exon(s) 10-11 of the PGM1 gene, which includes the termination codon. This deletion extends beyond the assayed region for this gene and therefore may encompass additional genes. While this deletion is not anticipated to lead to nonsense mediated decay, it is expected to alter mRNA translation or result in a truncated protein product. This variant has not been reported in the literature in individuals affected with PGM1-related conditions. This variant disrupts a region of the PGM1 protein in which other variant(s) (p.Arg515Gln) have been determined to be pathogenic (PMID: 33342467). This suggests that this is a clinically significant region of the protein, and that variants that disrupt it are likely to be disease-causing. For these reasons, this variant has been classified as Pathogenic.

Literature cited by the submitters: PubMed 33342467.

NC_000001.10:g.(?_64119983)_(64125346_?)del

Gene: PGM1 (phosphoglucomutase 1; plus strand). Cytogenetic location: 1p31.3.
Variant type: Deletion.
Identifiers: ClinVar variation 3247792 (VCV003247792.1).